The following continues an entry in ClinVar:

NM_007294.4(BRCA1):c.2286A>T (p.Arg762Ser)

Gene: BRCA1. ClinVar aggregate classification (germline): Benign. Benign (1).

Submissions 14 to 18 of 18:

PreventionGenetics, part of Exact Sciences
Classification: Benign for BRCA1-related condition. Last evaluated: 2024-08-30. Review status: no assertion criteria provided. Collection method: clinical testing. Allele origin: germline. Not counted in ClinVar's aggregate classification.
Comment: This variant is classified as benign based on ACMG/AMP sequence variant interpretation guidelines (Richards et al. 2015 PMID: 25741868, with internal and published modifications).

Counsyl
Classification: Uncertain significance for Breast-ovarian cancer, familial, susceptibility to, 1. Last evaluated: 2016-09-14. Review status: no assertion criteria provided. Collection method: clinical testing. Allele origin: unknown. Not counted in ClinVar's aggregate classification.

Breast Cancer Information Core (BIC) (BRCA1)
Classification: Uncertain significance for Breast-ovarian cancer, familial 1. Last evaluated: 2010-09-18. Review status: no assertion criteria provided. Collection method: clinical testing. Allele origin: germline. Affected: yes. Observed: 3 variant alleles. Not counted in ClinVar's aggregate classification.

Center for Precision Medicine, Meizhou People's Hospital
Classification: Uncertain significance for Familial cancer of breast. Review status: no assertion criteria provided. Collection method: literature only. Allele origin: germline. Affected: yes. Not counted in ClinVar's aggregate classification.

Department of Pathology and Laboratory Medicine, Sinai Health System
Classification: Uncertain significance for Malignant tumor of breast. Review status: no assertion criteria provided. Collection method: clinical testing. Allele origin: unknown. Affected: yes. Study: The Canadian Open Genetics Repository (COGR). Not counted in ClinVar's aggregate classification.
Comment: The BRCA1 p.Arg762Ser variant was identified in 3 of 1862 proband chromosomes (frequency 0.002) from individuals with breast or ovarian cancer (Cao 2013, Suter 2004, Thirthagiri 2008,Toh 2008) and was identified in 1 of 638 control chromosomes (frequency 0.002) from these studies. All probands from these studies were of Chinese or Malaysian descent. The variant was also identified the BIC database 3X as a variant with unknown clinical importance, and in the ClinVar database (classified with â€šÃ„Ãºunknown significanceâ€šÃ„Ã¹ by Ambry Genetics and BIC). The variant was listed in dbSNP (rs273898682) with a frequency of 0.002 (1000 Genomes project; one allele positive for variant), and in the Exome Aggregation Consortium (ExAC) database in 13 of 8654 chromosomes (frequency: 0.0001502) from a population of East Asian individuals and in 1 of 16508 chromosomes from South Asian individuals. The low frequency observed in these cohorts is not substantive enough to determine the prevalence of the variant in the general population and its relationship to disease. The variant occurs outside of the splicing consensus sequence and in silico or computational prediction software programs (SpliceSiteFinder, MaxEntScan, NNSPLICE, GeneSplicer, HumanSpliceFinder) do not predict a difference in splicing. The p.Arg762 residue is conserved in mammals; however, the variant amino acid Serine (Ser) is present in both African clawed frog and purple sea urchin, increasing the likelihood that this variant may not have clinical significance. Computational analyses (PolyPhen2, SIFT, AlignGVGD, BLOSUM, MutationTaster) do not suggest a high likelihood of impact to the protein and Toh (2008) notes that this residue occurs outside of any known functional domain; however, this information is not predictive enough to rule out pathogenicity. In summary, based on the above information, the clinical significance of this variant cannot be determined with certainty at this time. This variant is classified as a variant of unknown significance.

Literature cited by the submitters: PubMed 25085752 (cited by Myriad Genetics, Inc.); PubMed 18431501 (cited by 3 submitters); PubMed 18627636 (cited by 4 submitters); PubMed 14973102 (cited by 4 submitters); PubMed 23175448 (cited by 3 submitters); PubMed 26530882 (cited by Women's Health and Genetics/Laboratory Corporation of America, LabCorp and Counsyl); PubMed 27257965 (cited by 3 submitters); PubMed 26852015 (cited by 3 submitters); PubMed 28664506 (cited by Women's Health and Genetics/Laboratory Corporation of America, LabCorp and Quest Diagnostics Nichols Institute San Juan Capistrano); PubMed 30093976 (cited by Women's Health and Genetics/Laboratory Corporation of America, LabCorp); PubMed 30078507 (cited by Women's Health and Genetics/Laboratory Corporation of America, LabCorp); PubMed 29687286 (cited by Women's Health and Genetics/Laboratory Corporation of America, LabCorp); PubMed 28961279 (cited by Women's Health and Genetics/Laboratory Corporation of America, LabCorp and Quest Diagnostics Nichols Institute San Juan Capistrano); PubMed 30287823 (cited by Women's Health and Genetics/Laboratory Corporation of America, LabCorp and Center for Precision Medicine, Meizhou People's Hospital); PubMed 28222693 (cited by Women's Health and Genetics/Laboratory Corporation of America, LabCorp and Quest Diagnostics Nichols Institute San Juan Capistrano); PubMed 29263802 (cited by Women's Health and Genetics/Laboratory Corporation of America, LabCorp); PubMed 30111351 (cited by Women's Health and Genetics/Laboratory Corporation of America, LabCorp); PubMed 30982232 (cited by Women's Health and Genetics/Laboratory Corporation of America, LabCorp); PubMed 30840646 (cited by Women's Health and Genetics/Laboratory Corporation of America, LabCorp); PubMed 29470806 (cited by Women's Health and Genetics/Laboratory Corporation of America, LabCorp); PubMed 31360874 (cited by Women's Health and Genetics/Laboratory Corporation of America, LabCorp); PubMed 31477031 (cited by Women's Health and Genetics/Laboratory Corporation of America, LabCorp); PubMed 31248605 (cited by Women's Health and Genetics/Laboratory Corporation of America, LabCorp); PubMed 33471991 (cited by Women's Health and Genetics/Laboratory Corporation of America, LabCorp); PubMed 32467295 (cited by Women's Health and Genetics/Laboratory Corporation of America, LabCorp); PubMed 33413596 (cited by Women's Health and Genetics/Laboratory Corporation of America, LabCorp); PubMed 25041116 (cited by 4 submitters); PubMed 2504116 (cited by Illumina Laboratory Services, Illumina); PubMed 22116506 (cited by Counsyl).